The following is an entry in ClinVar:

ClinVar aggregate classification (germline): Uncertain significance (1 of 4 stars; one submission).

Conditions:
Hereditary cancer-predisposing syndrome. Also called: Tumor predisposition; Neoplastic Syndromes, Hereditary; Hereditary Cancer Syndrome; Hereditary neoplastic syndrome. Identifiers: Orphanet 140162, MedGen C0027672, MeSH D009386, MONDO:0015356.

Submission:

Ambry Genetics
Classification: Uncertain significance for Hereditary cancer-predisposing syndrome. Last evaluated: 2024-11-28. Review status: criteria provided, single submitter. Criteria: Ambry Variant Classification Scheme 2023. Collection method: clinical testing. Allele origin: germline.
Comment: The p.G808A variant (also known as c.2423G>C), located in coding exon 15 of the CDH1 gene, results from a G to C substitution at nucleotide position 2423. The glycine at codon 808 is replaced by alanine, an amino acid with similar properties. This amino acid position is conserved. In addition, the in silico prediction for this alteration is inconclusive. Based on the available evidence, the clinical significance of this variant remains unclear.

NM_004360.5(CDH1):c.2423G>C (p.Gly808Ala)

Gene: CDH1 (cadherin 1; plus strand). Cytogenetic location: 16q22.1.
Variant type: single nucleotide variant.
Coding change: c.2423G>C on transcript NM_004360.5 (MANE Select); coding-DNA position 2423, G replaced by C.
Protein change: p.Gly808Ala; replaces glycine 808 with alanine.
Molecular consequence: missense variant.
Genome position (GRCh38, 1-based): chr16:68,829,781, G>C. VCF-style: chr16-68829781-G-C. GRCh37 (hg19) VCF-style: chr16-68863684-G-C.
Other names: c.2240G>C, p.Gly747Ala (NM_001317184.2); c.875G>C, p.Gly292Ala (NM_001317185.2); c.458G>C, p.Gly153Ala (NM_001317186.2); short protein forms G292A, G153A, G747A, G808A.
Identifiers: ClinVar variation 3488686 (VCV003488686.1).
Genomic context (GRCh38, chr16:68,829,781, plus strand): 5'-CACCAACCCTCATGAGTGTCCCCCGGTATCTTCCCCGCCCTGCCAATCCCGATGAAATTG[G>C]AAATTTTATTGATGAAGTAAGTAATCCACGTGGAAAGCCAAAGCATGGCTCATCTCTAAG-3'
Protein context (NP_004351.1, residues 798-818): LPRPANPDEI[Gly808Ala]NFIDENLKAA